The following is an entry in ClinVar:

NM_001174089.2(SLC4A11):c.647G>A (p.Ser216Asn)

Gene: SLC4A11 (solute carrier family 4 member 11; minus strand). Cytogenetic location: 20p13.
Variant type: single nucleotide variant.
Coding change: c.647G>A on transcript NM_001174089.2 (MANE Select); coding-DNA position 647, G replaced by A.
Protein change: p.Ser216Asn; replaces serine 216 with asparagine.
Molecular consequence: missense variant. On other transcripts: non-coding transcript variant (3).
Genome position (GRCh38, 1-based): chr20:3,233,596, C>T on the plus strand (G>A on the coding strand, the complement: SLC4A11 is on the minus strand). VCF-style: chr20-3233596-C-T. GRCh37 (hg19) VCF-style: chr20-3214242-C-T.
Other names: c.776G>A, p.Ser259Asn (NM_001174090.2, NM_001400280.1); c.647G>A, p.Ser216Asn (NM_001363745.2); c.590G>A, p.Ser197Asn (NM_001400277.1, NM_001400278.1, NM_001400279.1); c.695G>A, p.Ser232Asn (NM_032034.4); short protein forms S259N, S232N, S197N, S216N.
Identifiers: ClinVar variation 3723694 (VCV003723694.2).
Genomic context (GRCh38, chr20:3,233,596, plus strand): 5'-AGGATGACGAACCGAACCTCACAGGAATTCTCCCCCCAGTTCTGTGGGCGAACCAGGCGG[C>T]TGATGCACACGTGCCGCTTCTGTAGGGCCTTCATGGTACAGCTGGCAGGGGCGGGGAGGA-3'
Protein context (NP_001167560.1, residues 206-226): KALQKRHVCI[Ser216Asn]RLVRPQNWGE

ClinVar aggregate classification (germline): Likely pathogenic (1 of 4 stars; one submission).

Submission:

Labcorp Genetics (formerly Invitae), Labcorp
Classification: Likely pathogenic. Last evaluated: 2024-02-23. Review status: criteria provided, single submitter. Criteria: Invitae Variant Classification Sherloc (09022015). Collection method: clinical testing. Allele origin: germline.
Comment: This sequence change replaces serine, which is neutral and polar, with asparagine, which is neutral and polar, at codon 232 of the SLC4A11 protein (p.Ser232Asn). This variant is not present in population databases (gnomAD no frequency). This missense change has been observed in individual(s) with autosomal recessive corneal endothelial dystrophy 2 (CHED2) (PMID: 17667634, 31420327). In at least one individual the data is consistent with being in trans (on the opposite chromosome) from a pathogenic variant. This variant is also known as c.743G>A. Advanced modeling of protein sequence and biophysical properties (such as structural, functional, and spatial information, amino acid conservation, physicochemical variation, residue mobility, and thermodynamic stability) has been performed at Invitae for this missense variant, however the output from this modeling did not meet the statistical confidence thresholds required to predict the impact of this variant on SLC4A11 protein function. Experimental studies have shown that this missense change affects SLC4A11 function (PMID: 29327391). In summary, the currently available evidence indicates that the variant is pathogenic, but additional data are needed to prove that conclusively. Therefore, this variant has been classified as Likely Pathogenic.

Literature cited by the submitters: PubMed 17667634; PubMed 31420327; PubMed 29327391.